The following is an entry in ClinVar:

NM_001365276.2(TNXB):c.6952_6961delinsGGTTGCA (p.Ser2318_Leu2321delinsGlyCysMet)

Gene: TNXB (tenascin XB; minus strand). Cytogenetic location: 6p21.33.
Variant type: Indel.
Coding change: c.6952_6961delinsGGTTGCA on transcript NM_001365276.2 (MANE Select); coding-DNA positions 6952 to 6961, TCCCTCAGCC replaced by GGTTGCA.
Protein change: p.Ser2318_Leu2321delinsGlyCysMet.
Molecular consequence: inframe indel.
Genome position (GRCh38, 1-based): chr6:32,062,364-32,062,373, GGCTGAGGGA replaced by TGCAACC on the plus strand (TCCCTCAGCC replaced by GGTTGCA on the coding strand, the reverse complement: TNXB is on the minus strand). VCF-style: chr6-32062364-GGCTGAGGGA-TGCAACC. GRCh37 (hg19) VCF-style: chr6-32030141-GGCTGAGGGA-TGCAACC.
Other names: c.7693_7702delinsGGTTGCA, p.Ser2565_Leu2568delinsGlyCysMet (NM_001428335.1); c.6952_6961delinsGGTTGCA, p.Ser2318_Leu2321delinsGlyCysMet (NM_019105.8).
Identifiers: ClinVar variation 3809312 (VCV003809312.2).

ClinVar aggregate classification (germline): Uncertain significance. Review status: criteria provided, multiple submitters, no conflicts (2 of 4 stars). 2 submissions from 2 submitters: Uncertain significance (2). Last evaluated 2026-01-16.

Conditions:
Cardiovascular phenotype. Identifiers: MedGen CN230736.

Submissions (2):

Women's Health and Genetics/Laboratory Corporation of America, LabCorp
Classification: Uncertain significance. Last evaluated: 2026-01-16. Review status: criteria provided, single submitter. Criteria: LabCorp Variant Classification Summary - May 2015. Collection method: clinical testing. Allele origin: germline.
Comment: Variant summary: TNXB c.6952_6961delinsGGTTGCA (p.Ser2318_Leu2321delinsGlyCysMet) results in an in-frame deletion-insertion that is predicted to delete 4 and insert 3 amino acids. This multinucleotide variant (MNV) has not been reported in in the gnomAD database, however it technically consists of 3 reported neighboring variants, which were found with the same allele frequencies, i.e. 2.1e-05 in ~1606240 control chromosomes. This frequency is not significantly higher than estimated for disease-causing variants in TNXB, allowing no conclusion about variant significance. To our knowledge, no occurrence of c.6952_6961delinsGGTTGCA in individuals affected with TNXB-related conditions and no experimental evidence demonstrating its impact on protein function have been reported. ClinVar contains an entry for this variant (Variation ID: 3809312). Based on the evidence outlined above, the variant was classified as uncertain significance.

Ambry Genetics
Classification: Uncertain significance for Cardiovascular phenotype. Last evaluated: 2024-12-26. Review status: criteria provided, single submitter. Criteria: Ambry Variant Classification Scheme 2023. Collection method: clinical testing. Allele origin: germline.
Comment: The c.6952_6961del10insGGTTGCA variant, located in coding exon 19 of the TNXB gene, results from an in-frame deletion of TCCCTCAGCC and insertion of GGTTGCA at nucleotide positions 6952 to 6961. This results in the substitution of the residue for a residue at codon 2318, an amino acid with highly similar properties. This amino acid positions are well conserved in available vertebrate species. In addition, this alteration is predicted to be deleterious by in silico analysis (Choi Y et al. PLoS ONE. 2012; 7(10):e46688). Based on the available evidence, the clinical significance of this variant remains unclear.